The following is an entry in ClinVar:

ClinVar aggregate classification (germline): Uncertain significance. Review status: criteria provided, multiple submitters, no conflicts (2 of 4 stars). 4 submissions from 4 submitters: Uncertain significance (3). 1 of the submissions does not count toward it. Last evaluated 2026-01-08.

Conditions:
Hereditary cancer-predisposing syndrome. Also called: Hereditary Cancer Syndrome; Hereditary neoplastic syndrome; Neoplastic Syndromes, Hereditary; Tumor predisposition. Identifiers: Orphanet 140162, MedGen C0027672, MeSH D009386, MONDO:0015356.
Bloom syndrome (BLM). Also called: Bloom-Torre-Machacek syndrome. Identifiers: Orphanet 125, MedGen C0005859, MONDO:0008876, OMIM 210900.

Allele frequency attached by ClinVar (database versions not stated): gnomAD exomes below 0.00001; gnomAD 0.00003 and 0.00004; TOPMed 0.00003.
gnomAD v4.1: 9 of 1,614,062 alleles (0.00056%); highest among the groups gnomAD compares: African/African-American, 0.012%; no homozygotes.

Submissions (4):

Labcorp Genetics (formerly Invitae), Labcorp
Classification: Uncertain significance for Bloom syndrome. Last evaluated: 2026-01-08. Review status: criteria provided, single submitter. Criteria: Invitae Variant Classification Sherloc (09022015). Collection method: clinical testing. Allele origin: germline.
Comment: This sequence change replaces glycine, which is neutral and non-polar, with alanine, which is neutral and non-polar, at codon 1354 of the BLM protein (p.Gly1354Ala). This variant is present in population databases (no rsID available, gnomAD 0.008%). This variant has not been reported in the literature in individuals affected with BLM-related conditions. ClinVar contains an entry for this variant (Variation ID: 405288). Invitae Evidence Modeling of protein sequence and biophysical properties (such as structural, functional, and spatial information, amino acid conservation, physicochemical variation, residue mobility, and thermodynamic stability) indicates that this missense variant is not expected to disrupt BLM protein function with a negative predictive value of 80%. In summary, the available evidence is currently insufficient to determine the role of this variant in disease. Therefore, it has been classified as a Variant of Uncertain Significance.

Ambry Genetics
Classification: Uncertain significance for Hereditary cancer-predisposing syndrome. Last evaluated: 2024-07-25. Review status: criteria provided, single submitter. Criteria: Ambry Variant Classification Scheme 2023. Collection method: clinical testing. Allele origin: germline.
Comment: The p.G1354A variant (also known as c.4061G>C), located in coding exon 20 of the BLM gene, results from a G to C substitution at nucleotide position 4061. The glycine at codon 1354 is replaced by alanine, an amino acid with similar properties. This amino acid position is not well conserved in available vertebrate species. In addition, this alteration is predicted to be tolerated by in silico analysis. Since supporting evidence is limited at this time, the clinical significance of this alteration remains unclear.

Sema4
Classification: Uncertain significance for Hereditary cancer-predisposing syndrome. Last evaluated: 2021-04-23. Review status: criteria provided, single submitter. Criteria: Sema4 Curation Guidelines. Collection method: curation. Allele origin: germline.
Comment: The BLM c.4061G>C (p.G1354A) variant has not been reported in the literature to our knowledge. It was observed in 2/24960 chromosomes in the African/African American subpopulation in the large and broad cohorts of the Genome Aggregation Database (PMID: 32461654). The variant has been reported in ClinVar (Variation ID: 405288). In silico tools suggest the impact of the variant on protein function is benign, though these predictions have not been confirmed by functional studies. The evidence is insufficient to meet ACMG/AMP criteria for classifying the variant as benign or pathogenic. Thus, the clinical significance of this variant is currently uncertain.

Natera, Inc.
Classification: Uncertain significance for Bloom syndrome. Last evaluated: 2018-10-29. Review status: no assertion criteria provided. Collection method: clinical testing. Allele origin: germline. Not counted in ClinVar's aggregate classification.

NM_000057.4(BLM):c.4061G>C (p.Gly1354Ala)

Gene: BLM (BLM RecQ like helicase; plus strand). Cytogenetic location: 15q26.1.
Variant type: single nucleotide variant.
Coding change: c.4061G>C on transcript NM_000057.4 (MANE Select); coding-DNA position 4061, G replaced by C.
Protein change: p.Gly1354Ala; replaces glycine 1354 with alanine.
Molecular consequence: missense variant.
Genome position (GRCh38, 1-based): chr15:90,811,391, G>C. VCF-style: chr15-90811391-G-C. GRCh37 (hg19) VCF-style: chr15-91354621-G-C.
Other names: c.4061G>C, p.Gly1354Ala (NM_001287246.2); c.3668G>C, p.Gly1223Ala (NM_001287247.2); c.2936G>C, p.Gly979Ala (NM_001287248.2); c.4061G>C (NM_000057.2); short protein forms G1354A, G1223A, G979A.
Identifiers: ClinVar variation 405288 (VCV000405288.14), dbSNP rs891751726, ClinGen allele CA16614831.